The following is an entry in ClinVar:

NM_000059.4(BRCA2):c.3596_3599del (p.Asp1199fs)

Gene: BRCA2 (BRCA2 DNA repair associated; plus strand). Cytogenetic location: 13q13.1.
Variant type: Deletion.
Coding change: c.3596_3599del on transcript NM_000059.4 (MANE Select); coding-DNA positions 3596 to 3599, 4 bases deleted (ACTG; older notation c.3596_3599delACTG).
Protein change: p.Asp1199fs; shifts the reading frame from aspartic acid 1199.
Molecular consequence: frameshift variant.
Genome position (GRCh38, 1-based): chr13:32,337,951-32,337,954, ACTG deleted; deleting any 4 consecutive bases within chr13:32,337,949-32,337,954 gives the same sequence; the c. name uses the placement nearest the transcript's 3' end. VCF-style (leftmost placement, unchanged base first): chr13-32337948-ATGAC-A. GRCh37 (hg19) VCF-style: chr13-32912085-ATGAC-A.
Other names: 3824_3827delACTG; c.3596_3599delACTG (NM_000059.3).
Identifiers: ClinVar variation 266760 (VCV000266760.14), dbSNP rs886040484, ClinGen allele CA10589212.

ClinVar aggregate classification (germline): Pathogenic. Review status: reviewed by expert panel (3 of 4 stars). 8 submissions from 8 submitters: Pathogenic (1). 7 of the submissions do not count toward it. Last evaluated 2016-10-18.

Conditions:
Breast-ovarian cancer, familial, susceptibility to, 2 (BROVCA2). Also called: BRCA2 Hereditary Breast and Ovarian Cancer. Identifiers: Orphanet 145, MedGen C2675520, MONDO:0012933, OMIM 612555. Disease mechanism: loss of function.
Inherited breast cancer and ovarian cancer.
Hereditary breast ovarian cancer syndrome. Also called: Hereditary breast and ovarian cancer; Hereditary breast and ovarian cancer syndrome (HBOC); Hereditary breast and/or ovarian cancer syndrome; Hereditary breast and ovarian cancer syndrome; Breast and ovarian cancer; BRCA1- and BRCA2-Associated Hereditary Breast and Ovarian Cancer. Identifiers: Orphanet 145, MedGen C0677776, MeSH D061325, MONDO:0003582. Disease mechanism: loss of function.
Hereditary cancer-predisposing syndrome. Also called: Hereditary Cancer Syndrome; Tumor predisposition; Neoplastic Syndromes, Hereditary; Hereditary neoplastic syndrome. Identifiers: Orphanet 140162, MedGen C0027672, MeSH D009386, MONDO:0015356.

Submissions (8):

Evidence-based Network for the Interpretation of Germline Mutant Alleles (ENIGMA)
Classification: Pathogenic for Breast-ovarian cancer, familial, susceptibility to, 2. Last evaluated: 2016-10-18. Review status: reviewed by expert panel. Criteria: ENIGMA BRCA1/2 Classification Criteria (2015). Collection method: curation. Allele origin: germline.
Comment: Variant allele predicted to encode a truncated non-functional protein.

Genetics Laboratory, Great Ormond Street Hospital NHS Foundation Trust, North Thames Genomic Laboratory Hub
Classification: Pathogenic for Inherited breast cancer and ovarian cancer. Last evaluated: 2026-01-27. Review status: criteria provided, single submitter. Criteria: CanVIG BRCA Gene Specific V1.22. Collection method: clinical testing. Allele origin: germline. Affected: yes. Not counted in ClinVar's aggregate classification.
Comment: PM2_moderate, PVS1_very-strong, PM5_strong

Ambry Genetics
Classification: Pathogenic for Hereditary cancer-predisposing syndrome. Last evaluated: 2025-09-15. Review status: criteria provided, single submitter. Criteria: Ambry Variant Classification Scheme 2023. Collection method: clinical testing. Allele origin: germline. Not counted in ClinVar's aggregate classification.
Comment: The c.3596_3599delACTG pathogenic mutation, located in coding exon 10 of the BRCA2 gene, results from a deletion of 4 nucleotides at nucleotide positions 3596 to 3599, causing a translational frameshift with a predicted alternate stop codon (p.D1199Vfs*9). This variant is considered to be rare based on population cohorts in the Genome Aggregation Database (gnomAD). This alteration is expected to result in loss of function by premature protein truncation or nonsense-mediated mRNA decay. Based on the supporting evidence, this variant is interpreted as a disease-causing mutation.

Labcorp Genetics (formerly Invitae), Labcorp
Classification: Pathogenic for Hereditary breast ovarian cancer syndrome. Last evaluated: 2025-07-31. Review status: criteria provided, single submitter. Criteria: Invitae Variant Classification Sherloc (09022015). Collection method: clinical testing. Allele origin: germline. Not counted in ClinVar's aggregate classification.
Comment: This sequence change creates a premature translational stop signal (p.Asp1199Valfs*9) in the BRCA2 gene. It is expected to result in an absent or disrupted protein product. Loss-of-function variants in BRCA2 are known to be pathogenic (PMID: 20104584). This variant is not present in population databases (gnomAD no frequency). This premature translational stop signal has been observed in individual(s) with personal and/or family history of breast and/or ovarian cancer (PMID: 22729890, 29339979, 31174498). ClinVar contains an entry for this variant (Variation ID: 266760). For these reasons, this variant has been classified as Pathogenic.

Consortium of Investigators of Modifiers of BRCA1/2 (CIMBA), c/o University of Cambridge
Classification: Pathogenic for Breast-ovarian cancer, familial, susceptibility to, 2. Last evaluated: 2015-10-02. Review status: criteria provided, single submitter. Criteria: CIMBA Mutation Classification guidelines May 2016. Collection method: clinical testing. Allele origin: germline. Not counted in ClinVar's aggregate classification.

Department of Medical Genetics, Oslo University Hospital
Classification: Pathogenic for Breast-ovarian cancer, familial, susceptibility to, 2. Last evaluated: 2015-07-01. Review status: criteria provided, single submitter. Criteria: ACMG Guidelines, 2015. Collection method: clinical testing. Allele origin: germline. Affected: yes. Observed: 8 variant alleles. Not counted in ClinVar's aggregate classification.

Genesis Genomics
Classification: Pathogenic for Breast-ovarian cancer, familial, susceptibility to, 2. Review status: criteria provided, single submitter. Criteria: ACMG Guidelines, 2015. Collection method: clinical testing. Allele origin: germline. Affected: yes. Observed: 1 variant allele. Not counted in ClinVar's aggregate classification.

Research Molecular Genetics Laboratory, Women's College Hospital, University of Toronto
Classification: Pathogenic for Hereditary breast ovarian cancer syndrome. Last evaluated: 2014-01-31. Review status: no assertion criteria provided. Collection method: research. Allele origin: germline. Affected: yes. Study: The Canadian Open Genetics Repository (COGR). Not counted in ClinVar's aggregate classification.

Literature cited by the submitters: PubMed 29339979 (cited by Ambry Genetics and Labcorp Genetics (formerly Invitae), Labcorp); PubMed 20104584 (cited by Labcorp Genetics (formerly Invitae), Labcorp); PubMed 22729890 (cited by Labcorp Genetics (formerly Invitae), Labcorp); PubMed 31174498 (cited by Labcorp Genetics (formerly Invitae), Labcorp).